The following is an entry in ClinVar:

ClinVar aggregate classification (germline): Uncertain significance (1 of 4 stars; one submission).

Conditions:
Amyotrophic lateral sclerosis type 1 (ALS1). Also called: AMYOTROPHIC LATERAL SCLEROSIS 1, FAMILIAL. Identifiers: Orphanet 803, MedGen C1862939, MONDO:0007103, OMIM 105400.
Neuronopathy, distal hereditary motor, type 7B. Also called: NEURONOPATHY, DISTAL HEREDITARY MOTOR, AUTOSOMAL DOMINANT 14; NEURONOPATHY, DISTAL HEREDITARY MOTOR, HARDING TYPE VIIB; NEUROPATHY, DISTAL HEREDITARY MOTOR, HARDING TYPE VIIB; NEUROPATHY, DISTAL HEREDITARY MOTOR, WITH VOCAL CORD PARALYSIS, HARDING TYPE VIIB; Distal Hereditary Motor Neuronopathy Type 7B (dHMN7B); HMN VIIB. Identifiers: Orphanet 139589, MedGen C1843315, MONDO:0011879, OMIM 607641.
Perry syndrome. Also called: PARKINSONISM WITH ALVEOLAR HYPOVENTILATION AND MENTAL DEPRESSION. Identifiers: Orphanet 178509, MedGen C1868594, MONDO:0008201, OMIM 168605.

Allele frequency attached by ClinVar (database versions not stated): TOPMed 0.00001.
gnomAD v4.1: 1 of 1,609,590 alleles (0.000062%); highest among the groups gnomAD compares: Middle Eastern, 0.017%; no homozygotes.

Submission:

Labcorp Genetics (formerly Invitae), Labcorp
Classification: Uncertain significance for Amyotrophic lateral sclerosis type 1; Neuronopathy, distal hereditary motor, type 7B; Perry syndrome. Last evaluated: 2023-06-04. Review status: criteria provided, single submitter. Criteria: Invitae Variant Classification Sherloc (09022015). Collection method: clinical testing. Allele origin: germline.
Comment: In summary, the available evidence is currently insufficient to determine the role of this variant in disease. Therefore, it has been classified as a Variant of Uncertain Significance. An algorithm developed to predict the effect of missense changes on protein structure and function (PolyPhen-2) suggests that this variant is likely to be tolerated. This variant has not been reported in the literature in individuals affected with DCTN1-related conditions. The frequency data for this variant in the population databases is considered unreliable, as metrics indicate poor data quality at this position in the gnomAD database. This sequence change replaces arginine, which is basic and polar, with serine, which is neutral and polar, at codon 17 of the DCTN1 protein (p.Arg17Ser).

NM_004082.5(DCTN1):c.51G>T (p.Arg17Ser)

Gene: DCTN1 (dynactin subunit 1; minus strand). Cytogenetic location: 2p13.1.
Variant type: single nucleotide variant.
Coding change: c.51G>T on transcript NM_004082.5 (MANE Select); coding-DNA position 51, G replaced by T.
Protein change: p.Arg17Ser; replaces arginine 17 with serine.
Molecular consequence: missense variant. On other transcripts: 5 prime UTR variant (3), non-coding transcript variant (1).
Genome position (GRCh38, 1-based): chr2:74,378,228, C>A on the plus strand (G>T on the coding strand, the complement: DCTN1 is on the minus strand). VCF-style: chr2-74378228-C-A. GRCh37 (hg19) VCF-style: chr2-74605355-C-A.
Other names: c.51G>T, p.Arg17Ser (NM_001135040.3, NM_001190837.2); c.-1G>T (NM_001190836.2, NM_001378991.1, NM_001378992.1); short protein forms R17S.
Identifiers: ClinVar variation 2929236 (VCV002929236.3), dbSNP rs1346797162, ClinGen allele CA347323300.
Genomic context (GRCh38, chr2:74,378,228, plus strand): 5'-TCCAATCACCTCTACACGGGAGCCCACCCGCAGAGGCCGGGCGCTTGCCTCCGCACTCAT[C>A]CTGCTGCCGCTGGGCGTCTGAAAGACACAGGTAAACACAGACAGTTAGAGGCCTCAGATC-3'
Protein context (NP_004073.2, residues 7-27): HVYSRTPSGS[Arg17Ser]MSAEASARPL